The following is an entry in ClinVar:

ClinVar aggregate classification (germline): Conflicting classifications of pathogenicity. Review status: criteria provided, conflicting classifications (1 of 4 stars). 3 submissions from 3 submitters: Uncertain significance (1); Benign (1); Likely benign (1). Last evaluated 2026-02-01.

Conditions:
Hecht syndrome (DA7). Also called: Dutch-Kentucky syndrome; MOUTH, INABILITY TO OPEN COMPLETELY, AND SHORT FINGER-FLEXOR TENDONS. Identifiers: Orphanet 3377, MedGen C0265226, MONDO:0008016, OMIM 158300. Disease mechanism: gain of function.

Allele frequency attached by ClinVar (database versions not stated): gnomAD exomes 0.00007 and 0.00021; ExAC 0.00030; gnomAD 0.00079 and 0.00088; TOPMed 0.00083; 1000 Genomes Project 0.00140; ESP Exome Variant Server 0.00123; 1000 Genomes Project 30x 0.00125.
gnomAD v4.1: 230 of 1,614,068 alleles (0.014%); highest among the groups gnomAD compares: African/African-American, 0.28%; 2 homozygotes.

Submissions (3):

CeGaT Center for Human Genetics Tuebingen
Classification: Likely benign. Last evaluated: 2026-02-01. Review status: criteria provided, single submitter. Criteria: CeGaT Center For Human Genetics Tuebingen Variant Classification Criteria Version 2. Collection method: clinical testing. Allele origin: germline. Affected: yes. Observed: 2 variant alleles.
Comment: MYH8: PP3, BS2

Illumina Laboratory Services, Illumina
Classification: Uncertain significance for Hecht syndrome. Last evaluated: 2018-01-13. Review status: criteria provided, single submitter. Criteria: ICSL Variant Classification Criteria 13 December 2019. Collection method: clinical testing. Allele origin: germline.

Labcorp Genetics (formerly Invitae), Labcorp
Classification: Benign. Last evaluated: 2017-11-01. Review status: criteria provided, single submitter. Criteria: Invitae Variant Classification Sherloc (09022015). Collection method: clinical testing. Allele origin: germline.

NM_002472.3(MYH8):c.5459C>T (p.Ala1820Val)

Genes: MYH8 (myosin heavy chain 8; minus strand), MYHAS (myosin heavy chain gene cluster antisense RNA; plus strand), LOC126862493 (BRD4-independent group 4 enhancer GRCh37_chr17:10295275-10296474; plus strand). Cytogenetic location: 17p13.1.
Variant type: single nucleotide variant.
Coding change: c.5459C>T on transcript NM_002472.3 (MANE Select); coding-DNA position 5459, C replaced by T.
Protein change: p.Ala1820Val; replaces alanine 1820 with valine.
Molecular consequence: missense variant.
Genome position (GRCh38, 1-based): chr17:10,392,835, G>A on the plus strand (C>T on the coding strand, the complement: MYH8 is on the minus strand). VCF-style: chr17-10392835-G-A. GRCh37 (hg19) VCF-style: chr17-10296152-G-A.
Other names: short protein forms A1820V.
Identifiers: ClinVar variation 785554 (VCV000785554.14), dbSNP rs148625172, ClinGen allele CA8387039.
Genomic context (GRCh38, chr17:10,392,835, plus strand): 5'-GGGTAGAGAGAGTGCCCTTTTTCCCTTCCCAGATTTAGAGAGATTGAGACACCCACCCTG[G>A]CCTCCAGTTTCTGGATCTGCTTCTTCCCACCCTTCAGCGCCAGCTGCTCGGCCTCATCTA-3'
Protein context (NP_002463.2, residues 1810-1830): GGKKQIQKLE[Ala1820Val]RVRELEGEVE